The following is an entry in ClinVar:

NM_138694.4(PKHD1):c.447A>G (p.Pro149=)

Gene: PKHD1 (PKHD1 ciliary IPT domain containing fibrocystin/polyductin; minus strand). Cytogenetic location: 6p12.2.
Variant type: single nucleotide variant.
Coding change: c.447A>G on transcript NM_138694.4 (MANE Select); coding-DNA position 447, A replaced by G.
Protein change: p.Pro149=; no amino-acid change (proline 149 retained).
Molecular consequence: synonymous variant.
Genome position (GRCh38, 1-based): chr6:52,076,277, T>C on the plus strand (A>G on the coding strand, the complement: PKHD1 is on the minus strand). VCF-style: chr6-52076277-T-C. GRCh37 (hg19) VCF-style: chr6-51941075-T-C.
Other names: c.447A>G, p.Pro149= (NM_170724.3).
Identifiers: ClinVar variation 4060100 (VCV004060100.2).

ClinVar aggregate classification (germline): Uncertain significance. Review status: criteria provided, single submitter (1 of 4 stars). 2 submissions from 2 submitters: Uncertain significance (1). 1 of the submissions does not count toward it. Last evaluated 2026-03-04.

Conditions:
Autosomal recessive polycystic kidney disease (ARPKD). Also called: AR polycystic kidney disease. Identifiers: Orphanet 731, Orphanet 8378, MedGen C0085548, MeSH D017044, MONDO:0009889.

gnomAD v4.1: 1 of 1,605,990 alleles (0.000062%); highest among the groups gnomAD compares: Non-Finnish European, 0.000085%; no homozygotes.

Submissions (2):

Women's Health and Genetics/Laboratory Corporation of America, LabCorp
Classification: Uncertain significance. Last evaluated: 2026-03-04. Review status: criteria provided, single submitter. Criteria: LabCorp Variant Classification Summary - May 2015. Collection method: clinical testing. Allele origin: germline.
Comment: Variant summary: PKHD1 c.447A>G (p.Pro149Pro) alters a conserved nucleotide located close to a canonical splice site and therefore could affect mRNA splicing, leading to a significantly altered protein sequence. Consensus agreement among computation tools predict no significant impact on normal splicing. However, these predictions have yet to be confirmed by functional studies. The variant was absent in 251178 control chromosomes. The available data on variant occurrences in the general population are insufficient to allow any conclusion about variant significance. To our knowledge, no occurrence of c.447A>G in individuals affected with PKHD1-related conditions and no experimental evidence demonstrating its impact on protein function have been reported. ClinVar contains an entry for this variant (Variation ID: 4060100). Based on the evidence outlined above, the variant was classified as uncertain significance.

Natera, Inc.
Classification: Uncertain significance for Autosomal recessive polycystic kidney disease. Last evaluated: 2025-03-20. Review status: no assertion criteria provided. Collection method: clinical testing. Allele origin: germline. Not counted in ClinVar's aggregate classification.